The following is an entry in ClinVar:

NM_022552.5(DNMT3A):c.1444G>A (p.Glu482Lys)

Gene: DNMT3A (DNA methyltransferase 3 alpha; minus strand). Cytogenetic location: 2p23.3.
Variant type: single nucleotide variant.
Coding change: c.1444G>A on transcript NM_022552.5 (MANE Select); coding-DNA position 1444, G replaced by A.
Protein change: p.Glu482Lys; replaces glutamic acid 482 with lysine.
Molecular consequence: missense variant. On other transcripts: non-coding transcript variant (1).
Genome position (GRCh38, 1-based): chr2:25,246,050, C>T on the plus strand (G>A on the coding strand, the complement: DNMT3A is on the minus strand). VCF-style: chr2-25246050-C-T. GRCh37 (hg19) VCF-style: chr2-25468919-C-T.
Other names: c.988G>A, p.Glu330Lys (NM_001320893.1); c.775G>A, p.Glu259Lys (NM_001375819.1); c.877G>A, p.Glu293Lys (NM_153759.3); c.1444G>A, p.Glu482Lys (NM_175629.2); short protein forms E259K, E293K, E330K, E482K.
Identifiers: ClinVar variation 4996561 (VCV004996561.1).

ClinVar aggregate classification (germline): Uncertain significance (1 of 4 stars; one submission).

Conditions:
DNMT3A-related disorder. Also called: DNMT3A-related disorders; DNMT3A-related condition.

Submission:

PreventionGenetics, part of Exact Sciences
Classification: Uncertain significance for DNMT3A-related condition. Last evaluated: 2026-06-17. Review status: criteria provided, single submitter. Criteria: ACMG Guidelines, 2015. Collection method: clinical testing. Allele origin: germline.
Comment: The DNMT3A c.1444G>A variant is predicted to result in the amino acid substitution p.Glu482Lys. To our knowledge, this variant has not been reported in the literature or in a large population database (gnomAD), indicating this variant is rare. At this time, the clinical significance of this variant is uncertain due to the absence of conclusive functional and genetic evidence.